The following is an entry in ClinVar:

ClinVar aggregate classification (germline): Uncertain significance. Review status: criteria provided, multiple submitters, no conflicts (2 of 4 stars). 3 submissions from 3 submitters: Uncertain significance (3). Last evaluated 2024-10-18.

Conditions:
Catecholaminergic polymorphic ventricular tachycardia (CVPT). Also called: Catecholamine-induced polymorphic ventricular tachycardia. Identifiers: Orphanet 3286, MedGen C5574922, MONDO:0017990.
Cardiomyopathy (CMYO). Also called: Cardiomyopathies. Identifiers: Orphanet 167848, MedGen C0878544, MONDO:0004994, HP:0001638. Inheritance: Various modes of inheritance.
Catecholaminergic polymorphic ventricular tachycardia 1. Also called: VENTRICULAR TACHYCARDIA, CATECHOLAMINERGIC POLYMORPHIC, 1, WITH OR WITHOUT ATRIAL DYSFUNCTION AND/OR DILATED CARDIOMYOPATHY; RYR2-Related Catecholaminergic Polymorphic Ventricular Tachycardia; VENTRICULAR TACHYCARDIA, STRESS-INDUCED POLYMORPHIC 1. Identifiers: Orphanet 3286, MedGen C1631597, MONDO:0011484, OMIM 604772.

Allele frequency attached by ClinVar (database versions not stated): gnomAD exomes below 0.00001.
gnomAD v4.1: 6 of 1,596,320 alleles (0.00038%); highest among the groups gnomAD compares: Non-Finnish European, 0.00051%; no homozygotes.

Submissions (3):

Labcorp Genetics (formerly Invitae), Labcorp
Classification: Uncertain significance for Catecholaminergic polymorphic ventricular tachycardia 1. Last evaluated: 2024-10-18. Review status: criteria provided, single submitter. Criteria: Invitae Variant Classification Sherloc (09022015). Collection method: clinical testing. Allele origin: germline.
Comment: This sequence change replaces glutamine, which is neutral and polar, with glutamic acid, which is acidic and polar, at codon 2586 of the RYR2 protein (p.Gln2586Glu). This variant is not present in population databases (gnomAD no frequency). This variant has not been reported in the literature in individuals affected with RYR2-related conditions. ClinVar contains an entry for this variant (Variation ID: 919731). Invitae Evidence Modeling of protein sequence and biophysical properties (such as structural, functional, and spatial information, amino acid conservation, physicochemical variation, residue mobility, and thermodynamic stability) indicates that this missense variant is not expected to disrupt RYR2 protein function with a negative predictive value of 95%. In summary, the available evidence is currently insufficient to determine the role of this variant in disease. Therefore, it has been classified as a Variant of Uncertain Significance.

All of Us Research Program, National Institutes of Health
Classification: Uncertain significance for Catecholaminergic polymorphic ventricular tachycardia. Last evaluated: 2024-08-13. Review status: criteria provided, single submitter. Criteria: ACMG Guidelines, 2015. Collection method: clinical testing. Allele origin: germline. Inheritance: Autosomal dominant inheritance. Observed: 1 variant allele, 1 heterozygote.
Comment: This missense variant replaces glutamine with glutamic acid at codon 2586 of the RYR2 protein. Computational prediction is inconclusive regarding the impact of this variant on protein structure and function (internally defined REVEL score threshold 0.5 < inconclusive < 0.7, PMID: 27666373). Splice site prediction tools suggest that this variant may not impact RNA splicing. To our knowledge, functional studies have not been performed for this variant. This variant has not been reported in individuals affected with cardiovascular disorders in the literature. This variant has not been identified in the general population by the Genome Aggregation Database (gnomAD). The available evidence is insufficient to determine the role of this variant in disease conclusively. Therefore, this variant is classified as a Variant of Uncertain Significance.

This study involves interpretation of variants in research participants for the purpose of population health screening. Participant phenotype was not available at the time of variant classification. Additional details can be found in publication PMID: 35346344, PMCID: PMC8962531

Color Diagnostics, LLC DBA Color Health
Classification: Uncertain significance for Cardiomyopathy. Last evaluated: 2024-03-06. Review status: criteria provided, single submitter. Criteria: ACMG Guidelines, 2015. Collection method: clinical testing. Allele origin: germline.
Comment: This missense variant replaces glutamine with glutamic acid at codon 2586 of the RYR2 protein. Computational prediction is inconclusive regarding the impact of this variant on protein structure and function (internally defined REVEL score threshold 0.5 < inconclusive < 0.7, PMID: 27666373). Splice site prediction tools suggest that this variant may not impact RNA splicing. To our knowledge, functional studies have not been performed for this variant. This variant has not been reported in individuals affected with cardiovascular disorders in the literature. This variant has not been identified in the general population by the Genome Aggregation Database (gnomAD). The available evidence is insufficient to determine the role of this variant in disease conclusively. Therefore, this variant is classified as a Variant of Uncertain Significance.

NM_001035.3(RYR2):c.7756C>G (p.Gln2586Glu)

Gene: RYR2 (ryanodine receptor 2; plus strand). Cytogenetic location: 1q43.
Variant type: single nucleotide variant.
Coding change: c.7756C>G on transcript NM_001035.3 (MANE Select); coding-DNA position 7756, C replaced by G.
Protein change: p.Gln2586Glu; replaces glutamine 2586 with glutamic acid.
Molecular consequence: missense variant.
Genome position (GRCh38, 1-based): chr1:237,651,433, C>G. VCF-style: chr1-237651433-C-G. GRCh37 (hg19) VCF-style: chr1-237814733-C-G.
Other names: short protein forms Q2586E.
Identifiers: ClinVar variation 919731 (VCV000919731.7), dbSNP rs1682720673, ClinGen allele CA345399559.